The following is an entry in ClinVar:

NM_001282531.3(ADNP):c.521A>G (p.Asp174Gly)

Gene: ADNP (activity dependent neuroprotector homeobox; minus strand). Cytogenetic location: 20q13.13.
Variant type: single nucleotide variant.
Coding change: c.521A>G on transcript NM_001282531.3 (MANE Select); coding-DNA position 521, A replaced by G.
Protein change: p.Asp174Gly; replaces aspartic acid 174 with glycine.
Molecular consequence: missense variant.
Genome position (GRCh38, 1-based): chr20:50,894,193, T>C on the plus strand (A>G on the coding strand, the complement: ADNP is on the minus strand). VCF-style: chr20-50894193-T-C. GRCh37 (hg19) VCF-style: chr20-49510730-T-C.
Other names: c.521A>G, p.Asp174Gly (NM_001282532.2, NM_001347511.2, NM_015339.5 and 1 more transcripts); short protein forms D174G.
Identifiers: ClinVar variation 1715646 (VCV001715646.5), dbSNP rs2515591395, ClinGen allele CA408977520.

ClinVar aggregate classification (germline): Uncertain significance (1 of 4 stars; one submission).

Submission:

Labcorp Genetics (formerly Invitae), Labcorp
Classification: Uncertain significance. Last evaluated: 2022-09-03. Review status: criteria provided, single submitter. Criteria: Invitae Variant Classification Sherloc (09022015). Collection method: clinical testing. Allele origin: germline.
Comment: In summary, the available evidence is currently insufficient to determine the role of this variant in disease. Therefore, it has been classified as a Variant of Uncertain Significance. Algorithms developed to predict the effect of missense changes on protein structure and function are either unavailable or do not agree on the potential impact of this missense change (SIFT: "Not Available"; PolyPhen-2: "Probably Damaging"; Align-GVGD: "Not Available"). This variant has not been reported in the literature in individuals affected with ADNP-related conditions. This variant is not present in population databases (gnomAD no frequency). This sequence change replaces aspartic acid, which is acidic and polar, with glycine, which is neutral and non-polar, at codon 174 of the ADNP protein (p.Asp174Gly).